The following is an entry in ClinVar:

NM_001365951.3(KIF1B):c.3927A>C (p.Lys1309Asn)

Gene: KIF1B (kinesin family member 1B; plus strand). Cytogenetic location: 1p36.22.
Variant type: single nucleotide variant.
Coding change: c.3927A>C on transcript NM_001365951.3 (MANE Select); coding-DNA position 3927, A replaced by C.
Protein change: p.Lys1309Asn; replaces lysine 1309 with asparagine.
Molecular consequence: missense variant.
Genome position (GRCh38, 1-based): chr1:10,348,711, A>C. VCF-style: chr1-10348711-A-C. GRCh37 (hg19) VCF-style: chr1-10408769-A-C.
Other names: c.3927A>C, p.Lys1309Asn (NM_001365952.1); c.3789A>C, p.Lys1263Asn (NM_015074.3); short protein forms K1263N, K1309N.
Identifiers: ClinVar variation 3015059 (VCV003015059.3), dbSNP rs773380588, ClinGen allele CA338343789.
Genomic context (GRCh38, chr1:10,348,711, plus strand): 5'-CATCCAGCGAAGGATCACAGTGACCATTATCCATGAGAAGGGGAGCGAGCTCCATTGGAA[A>C]GATGTTCGTGAACTGGTGGTAGGTGAGTACGTTTCATCAGCCAAGGATAGAACCAGGACT-3'
Protein context (NP_001352880.1, residues 1299-1319): IHEKGSELHW[Lys1309Asn]DVRELVVGRI

ClinVar aggregate classification (germline): Uncertain significance (1 of 4 stars; one submission).

Conditions:
Charcot-Marie-Tooth disease type 2. Also called: Charcot-Marie-Tooth type 2. Identifiers: Orphanet 64746, MedGen C0270914, MONDO:0018993.

Submission:

Labcorp Genetics (formerly Invitae), Labcorp
Classification: Uncertain significance for Charcot-Marie-Tooth disease type 2. Last evaluated: 2023-04-18. Review status: criteria provided, single submitter. Criteria: Invitae Variant Classification Sherloc (09022015). Collection method: clinical testing. Allele origin: germline.
Comment: This sequence change replaces lysine, which is basic and polar, with asparagine, which is neutral and polar, at codon 1263 of the KIF1B protein (p.Lys1263Asn). This variant is not present in population databases (gnomAD no frequency). This variant has not been reported in the literature in individuals affected with KIF1B-related conditions. An algorithm developed to predict the effect of missense changes on protein structure and function (PolyPhen-2) suggests that this variant is likely to be disruptive. In summary, the available evidence is currently insufficient to determine the role of this variant in disease. Therefore, it has been classified as a Variant of Uncertain Significance.